The following is an entry in ClinVar:

NM_001848.3(COL6A1):c.1273-4T>C

Gene: COL6A1 (collagen type VI alpha 1 chain; plus strand). Cytogenetic location: 21q22.3.
Variant type: single nucleotide variant.
Coding change: c.1273-4T>C on transcript NM_001848.3 (MANE Select); 4 bases into the intron before coding-DNA position 1273, T replaced by C.
Molecular consequence: intron variant.
Genome position (GRCh38, 1-based): chr21:45,992,744, T>C. VCF-style: chr21-45992744-T-C. GRCh37 (hg19) VCF-style: chr21-47412658-T-C.
Other names: c.1273-4T>C (NM_001848.2).
Identifiers: ClinVar variation 287444 (VCV000287444.14), dbSNP rs373909354, ClinGen allele CA10070222.

ClinVar aggregate classification (germline): Conflicting classifications of pathogenicity. Review status: criteria provided, conflicting classifications (1 of 4 stars). 3 submissions from 3 submitters: Uncertain significance (1); Likely benign (2). Last evaluated 2026-01-07.

Conditions:
COL6A1-related disorder. Also called: COL6A1-related condition.
Bethlem myopathy 1A. Also called: MYOPATHY, BENIGN CONGENITAL, WITH CONTRACTURES; Bethlem myopathy 1; Bethlem Muscular Dystrophy. Identifiers: Orphanet 610, MedGen CN029274, MONDO:0024530, OMIM 158810.

Allele frequency attached by ClinVar (database versions not stated): gnomAD 0.00053 and 0.00047; 1000 Genomes Project 30x 0.00062; gnomAD exomes 0.00003 and 0.00008; ExAC 0.00023; ESP Exome Variant Server 0.00039; 1000 Genomes Project 0.00040; TOPMed 0.00043.
gnomAD v4.1: 115 of 1,588,316 alleles (0.0072%); highest among the groups gnomAD compares: African/African-American, 0.14%; no homozygotes.

Submissions (3):

Labcorp Genetics (formerly Invitae), Labcorp
Classification: Likely benign for Bethlem myopathy 1A. Last evaluated: 2026-01-07. Review status: criteria provided, single submitter. Criteria: Invitae Variant Classification Sherloc (09022015). Collection method: clinical testing. Allele origin: germline.

PreventionGenetics, part of Exact Sciences
Classification: Likely benign for COL6A1-related condition. Last evaluated: 2024-10-09. Review status: criteria provided, single submitter. Criteria: ACMG Guidelines, 2015. Collection method: clinical testing. Allele origin: germline.
Comment: This variant is classified as likely benign based on ACMG/AMP sequence variant interpretation guidelines (Richards et al. 2015 PMID: 25741868, with internal and published modifications).

Eurofins Ntd Llc (ga)
Classification: Uncertain significance. Last evaluated: 2016-04-12. Review status: criteria provided, single submitter. Criteria: EGL Classification Definitions 2015. Collection method: clinical testing. Allele origin: germline. Observed: 3 variant alleles, 3 heterozygotes.